The following is an entry in ClinVar:

NM_001358530.2(MOCS1):c.1372A>G (p.Asn458Asp)

Gene: MOCS1 (molybdenum cofactor synthesis 1; minus strand). Cytogenetic location: 6p21.2.
Variant type: single nucleotide variant.
Coding change: c.1372A>G on transcript NM_001358530.2 (MANE Select); coding-DNA position 1372, A replaced by G.
Protein change: p.Asn458Asp; replaces asparagine 458 with aspartic acid.
Molecular consequence: missense variant. On other transcripts: 3 prime UTR variant (4), non-coding transcript variant (1).
Genome position (GRCh38, 1-based): chr6:39,906,896, T>C on the plus strand (A>G on the coding strand, the complement: MOCS1 is on the minus strand). VCF-style: chr6-39906896-T-C. GRCh37 (hg19) VCF-style: chr6-39874672-T-C.
Other names: c.*229A>G (NM_001075098.4, NM_001358533.2, NM_001358534.2 and 1 more transcripts); c.1324A>G, p.Asn442Asp (NM_001358529.2); c.1111A>G, p.Asn371Asp (NM_001358531.2); short protein forms N371D, N442D, N458D.
Identifiers: ClinVar variation 1417524 (VCV001417524.3), dbSNP rs558877176, ClinGen allele CA3795958.
Genomic context (GRCh38, chr6:39,906,896, plus strand): 5'-TTAGCTGGGGTCCTGAGGGGGCAGCAGAAGCCCAGGAACCTGGGCTAAGGCACTTTGAGT[T>C]GGCATCTGAGTCTGCACGGGAAGTGTAGTGTCTCTGAAAGGAGCCAGACCCCAGCCGCTG-3'
Protein context (NP_001345459.1, residues 448-468): HYTSRADSDA[Asn458Asp]SKCLSPGSWA

ClinVar aggregate classification (germline): Uncertain significance (1 of 4 stars; one submission).

Conditions:
Sulfite oxidase deficiency due to molybdenum cofactor deficiency type A. Also called: Molybdenum Cofactor Deficiency A; Molybdenum cofactor deficiency, complementation group A. Identifiers: Orphanet 308386, Orphanet 833, MedGen C1854988, MONDO:0009643, OMIM 252150.

Allele frequency attached by ClinVar (database versions not stated): gnomAD exomes 0.00002 and 0.00010; TOPMed 0.00002; gnomAD 0.00004; ExAC 0.00008; 1000 Genomes Project 30x 0.00016; 1000 Genomes Project 0.00020.

Submission:

Labcorp Genetics (formerly Invitae), Labcorp
Classification: Uncertain significance for Sulfite oxidase deficiency due to molybdenum cofactor deficiency type A. Last evaluated: 2022-03-19. Review status: criteria provided, single submitter. Criteria: Invitae Variant Classification Sherloc (09022015). Collection method: clinical testing. Allele origin: germline.
Comment: This sequence change replaces asparagine, which is neutral and polar, with aspartic acid, which is acidic and polar, at codon 458 of the MOCS1 protein (p.Asn458Asp). This variant is present in population databases (rs558877176, gnomAD 0.1%). This variant has not been reported in the literature in individuals affected with MOCS1-related conditions. Algorithms developed to predict the effect of missense changes on protein structure and function output the following: SIFT: "Not Available"; PolyPhen-2: "Benign"; Align-GVGD: "Not Available". The aspartic acid amino acid residue is found in multiple mammalian species, which suggests that this missense change does not adversely affect protein function. In summary, the available evidence is currently insufficient to determine the role of this variant in disease. Therefore, it has been classified as a Variant of Uncertain Significance.